The following is an entry in ClinVar:

ClinVar aggregate classification (germline): Uncertain significance. Review status: criteria provided, multiple submitters, no conflicts (2 of 4 stars). 2 submissions from 2 submitters: Uncertain significance (2). Last evaluated 2024-08-01.

Conditions:
Inborn genetic diseases. Identifiers: MedGen C0950123, MeSH D030342.

Allele frequency attached by ClinVar (database versions not stated): ExAC 0.00001; gnomAD exomes 0.00001; TOPMed 0.00010; gnomAD 0.00012; ESP Exome Variant Server 0.00015.
gnomAD v4.1: 33 of 1,609,974 alleles (0.002%); highest among the groups gnomAD compares: African/African-American, 0.041%; no homozygotes.

Submissions (2):

Ambry Genetics
Classification: Uncertain significance for Inborn genetic diseases. Last evaluated: 2024-08-01. Review status: criteria provided, single submitter. Criteria: Ambry Variant Classification Scheme 2023. Collection method: clinical testing. Allele origin: germline.

Labcorp Genetics (formerly Invitae), Labcorp
Classification: Uncertain significance. Last evaluated: 2022-03-14. Review status: criteria provided, single submitter. Criteria: Invitae Variant Classification Sherloc (09022015). Collection method: clinical testing. Allele origin: germline.
Comment: This sequence change replaces serine, which is neutral and polar, with threonine, which is neutral and polar, at codon 182 of the WDR4 protein (p.Ser182Thr). This variant is present in population databases (rs140048446, gnomAD 0.03%). This variant has not been reported in the literature in individuals affected with WDR4-related conditions. Algorithms developed to predict the effect of missense changes on protein structure and function are either unavailable or do not agree on the potential impact of this missense change (SIFT: "Tolerated"; PolyPhen-2: "Possibly Damaging"; Align-GVGD: "Class C0"). In summary, the available evidence is currently insufficient to determine the role of this variant in disease. Therefore, it has been classified as a Variant of Uncertain Significance.

NM_018669.6(WDR4):c.544T>A (p.Ser182Thr)

Gene: WDR4 (WDR4 tRNA N7-guanosine methyltransferase non-catalytic subunit; minus strand). Cytogenetic location: 21q22.3.
Variant type: single nucleotide variant.
Coding change: c.544T>A on transcript NM_018669.6 (MANE Select); coding-DNA position 544, T replaced by A.
Protein change: p.Ser182Thr; replaces serine 182 with threonine.
Molecular consequence: missense variant. On other transcripts: non-coding transcript variant (1).
Genome position (GRCh38, 1-based): chr21:42,862,304, A>T on the plus strand (T>A on the coding strand, the complement: WDR4 is on the minus strand). VCF-style: chr21-42862304-A-T. GRCh37 (hg19) VCF-style: chr21-44282414-A-T.
Other names: c.544T>A, p.Ser182Thr (NM_001260474.2, NM_033661.5); c.106T>A, p.Ser36Thr (NM_001260475.2, NM_001260476.2, NM_001260477.2 and 1 more transcripts); c.544T>A (NM_018669.4); short protein forms S182T, S36T.
Identifiers: ClinVar variation 1977126 (VCV001977126.3), dbSNP rs140048446, ClinGen allele CA10046058.